The following is an entry in ClinVar:

NM_001330311.2(DVL1):c.1055-3C>T

Gene: DVL1 (dishevelled segment polarity protein 1; minus strand). Cytogenetic location: 1p36.33.
Variant type: single nucleotide variant.
Coding change: c.1055-3C>T on transcript NM_001330311.2 (MANE Select); 3 bases into the intron before coding-DNA position 1055, C replaced by T.
Molecular consequence: intron variant.
Genome position (GRCh38, 1-based): chr1:1,339,442, G>A on the plus strand (C>T on the coding strand, the complement: DVL1 is on the minus strand). VCF-style: chr1-1339442-G-A. GRCh37 (hg19) VCF-style: chr1-1274822-G-A.
Other names: c.1055-3C>T (NM_004421.3).
Identifiers: ClinVar variation 4691573 (VCV004691573.1).

ClinVar aggregate classification (germline): Uncertain significance (1 of 4 stars; one submission).

Submission:

Labcorp Genetics (formerly Invitae), Labcorp
Classification: Uncertain significance. Last evaluated: 2025-09-03. Review status: criteria provided, single submitter. Criteria: Invitae Variant Classification Sherloc (09022015). Collection method: clinical testing. Allele origin: germline.
Comment: This sequence change falls in intron 10 of the DVL1 gene. It does not directly change the encoded amino acid sequence of the DVL1 protein. It affects a nucleotide within the consensus splice site. This variant is not present in population databases (gnomAD no frequency). This variant has not been reported in the literature in individuals affected with DVL1-related conditions. Variants that disrupt the consensus splice site are a relatively common cause of aberrant splicing (PMID: 17576681, 9536098). Algorithms developed to predict the effect of sequence changes on RNA splicing suggest that this variant is not likely to affect RNA splicing. In summary, the available evidence is currently insufficient to determine the role of this variant in disease. Therefore, it has been classified as a Variant of Uncertain Significance.

Literature cited by the submitters: PubMed 17576681; PubMed 9536098.